The following is an entry in ClinVar:

ClinVar aggregate classification (germline): Uncertain significance. Review status: criteria provided, multiple submitters, no conflicts (2 of 4 stars). 2 submissions from 2 submitters: Uncertain significance (2). Last evaluated 2025-03-10.

Conditions:
Fanconi anemia (FA). Also called: Fanconi's anemia. Identifiers: Orphanet 84, MedGen C0015625, MeSH D005199, MONDO:0019391.
Fanconi anemia complementation group I (FANCI). Also called: FANCI-Related Fanconi Anemia. Identifiers: Orphanet 84, MedGen C1836861, MONDO:0012186, OMIM 609053.

Allele frequency attached by ClinVar (database versions not stated): ESP Exome Variant Server 0.00008.

Submissions (2):

Labcorp Genetics (formerly Invitae), Labcorp
Classification: Uncertain significance for Fanconi anemia. Last evaluated: 2025-03-10. Review status: criteria provided, single submitter. Criteria: Invitae Variant Classification Sherloc (09022015). Collection method: clinical testing. Allele origin: germline.
Comment: This sequence change replaces serine, which is neutral and polar, with arginine, which is basic and polar, at codon 1018 of the FANCI protein (p.Ser1018Arg). This variant is not present in population databases (gnomAD no frequency). This variant has not been reported in the literature in individuals affected with FANCI-related conditions. ClinVar contains an entry for this variant (Variation ID: 1990774). Invitae Evidence Modeling of protein sequence and biophysical properties (such as structural, functional, and spatial information, amino acid conservation, physicochemical variation, residue mobility, and thermodynamic stability) indicates that this missense variant is expected to disrupt FANCI protein function with a positive predictive value of 80%. In summary, the available evidence is currently insufficient to determine the role of this variant in disease. Therefore, it has been classified as a Variant of Uncertain Significance.

Fulgent Genetics
Classification: Uncertain significance for Fanconi anemia complementation group I. Last evaluated: 2024-01-29. Review status: criteria provided, single submitter. Criteria: ACMG Guidelines, 2015. Collection method: clinical testing. Allele origin: germline.

NM_001113378.2(FANCI):c.3054C>G (p.Ser1018Arg)

Gene: FANCI (FA complementation group I; plus strand). Cytogenetic location: 15q26.1.
Variant type: single nucleotide variant.
Coding change: c.3054C>G on transcript NM_001113378.2 (MANE Select); coding-DNA position 3054, C replaced by G.
Protein change: p.Ser1018Arg; replaces serine 1018 with arginine.
Molecular consequence: missense variant.
Genome position (GRCh38, 1-based): chr15:89,303,911, C>G. VCF-style: chr15-89303911-C-G. GRCh37 (hg19) VCF-style: chr15-89847142-C-G.
Other names: c.2775C>G, p.Ser925Arg (NM_001376910.1); c.3054C>G, p.Ser1018Arg (NM_001376911.1); c.2874C>G, p.Ser958Arg (NM_018193.3); short protein forms S925R, S958R, S1018R.
Identifiers: ClinVar variation 1990774 (VCV001990774.5), dbSNP rs201493619, ClinGen allele CA274524262.